The following is an entry in ClinVar:

NM_172107.4(KCNQ2):c.1204G>T (p.Gly402Ter)

Gene: KCNQ2 (potassium voltage-gated channel subfamily Q member 2; minus strand). Cytogenetic location: 20q13.33.
Variant type: single nucleotide variant.
Coding change: c.1204G>T on transcript NM_172107.4 (MANE Select); coding-DNA position 1204, G replaced by T.
Protein change: p.Gly402Ter; replaces glycine 402 with a stop codon.
Molecular consequence: nonsense.
Genome position (GRCh38, 1-based): chr20:63,428,380, C>A on the plus strand (G>T on the coding strand, the complement: KCNQ2 is on the minus strand). VCF-style: chr20-63428380-C-A. GRCh37 (hg19) VCF-style: chr20-62059733-C-A.
Other names: c.1174G>T, p.Gly392Ter (NM_004518.6); c.1204G>T, p.Gly402Ter (NM_172106.3, NM_172108.5); short protein forms G402*, G392*.
Identifiers: ClinVar variation 419629 (VCV000419629.5), dbSNP rs1064794001, ClinGen allele CA16620966.

ClinVar aggregate classification (germline): Pathogenic. Review status: criteria provided, multiple submitters, no conflicts (2 of 4 stars). 2 submissions from 2 submitters: Pathogenic (2). Last evaluated 2025-10-09.

Conditions:
Early-infantile DEE. Also called: Early infantile epileptic encephalopathy with suppression bursts; Ohtahara syndrome; Early infantile epileptic encephalopathy. Identifiers: Orphanet 1934, MedGen C0393706, MONDO:0800491.

Submissions (2):

GeneDx
Classification: Pathogenic. Last evaluated: 2025-10-09. Review status: criteria provided, single submitter. Criteria: GeneDx Variant Classification Process June 2021. Collection method: clinical testing. Allele origin: germline. Affected: yes.
Comment: Nonsense variant predicted to result in protein truncation or nonsense mediated decay in a gene for which loss of function is a known mechanism of disease; Not observed at significant frequency in large population cohorts (gnomAD); This variant is associated with the following publications: (PMID: 29655203)

Labcorp Genetics (formerly Invitae), Labcorp
Classification: Pathogenic for Early-infantile DEE. Last evaluated: 2025-07-13. Review status: criteria provided, single submitter. Criteria: Invitae Variant Classification Sherloc (09022015). Collection method: clinical testing. Allele origin: germline.
Comment: This sequence change creates a premature translational stop signal (p.Gly402*) in the KCNQ2 gene. It is expected to result in an absent or disrupted protein product. Loss-of-function variants in KCNQ2 are known to be pathogenic (PMID: 14534157, 23692823, 27779742). This variant is not present in population databases (gnomAD no frequency). This premature translational stop signal has been observed in individual(s) with clinical features of KCNQ2-related conditions (PMID: 29655203). ClinVar contains an entry for this variant (Variation ID: 419629). For these reasons, this variant has been classified as Pathogenic.

Literature cited by the submitters: PubMed 14534157 (cited by Labcorp Genetics (formerly Invitae), Labcorp); PubMed 23692823 (cited by Labcorp Genetics (formerly Invitae), Labcorp); PubMed 27779742 (cited by Labcorp Genetics (formerly Invitae), Labcorp); PubMed 29655203 (cited by Labcorp Genetics (formerly Invitae), Labcorp).